The following is an entry in ClinVar:

NM_001256545.2(MEGF10):c.3216G>C (p.Arg1072Ser)

Gene: MEGF10 (multiple EGF like domains 10; plus strand). Cytogenetic location: 5q23.2.
Variant type: single nucleotide variant.
Coding change: c.3216G>C on transcript NM_001256545.2 (MANE Select); coding-DNA position 3216, G replaced by C.
Protein change: p.Arg1072Ser; replaces arginine 1072 with serine.
Molecular consequence: missense variant.
Genome position (GRCh38, 1-based): chr5:127,455,591, G>C. VCF-style: chr5-127455591-G-C. GRCh37 (hg19) VCF-style: chr5-126791283-G-C.
Other names: c.3216G>C, p.Arg1072Ser (NM_032446.3); short protein forms R1072S.
Identifiers: ClinVar variation 350670 (VCV000350670.12), dbSNP rs75783175, ClinGen allele CA3392161.

ClinVar aggregate classification (germline): Conflicting classifications of pathogenicity. Review status: criteria provided, conflicting classifications (1 of 4 stars). 3 submissions from 3 submitters: Uncertain significance (1); Likely benign (1). 1 of the submissions does not count toward it. Last evaluated 2019-12-31.

Conditions:
MEGF10-related disorder. Also called: MEGF10-related condition.
MEGF10-related myopathy (CMYO10A). Also called: Congenital myopathy 10A, severe variant. Identifiers: Orphanet 439212, MedGen C3280679, MONDO:0013731, OMIM 614399.

Allele frequency attached by ClinVar (database versions not stated): TOPMed 0.00178; 1000 Genomes Project 0.00200; gnomAD exomes 0.00042; ExAC 0.00051; ESP Exome Variant Server 0.00131; gnomAD 0.00156 and 0.00171; 1000 Genomes Project 30x 0.00172.
gnomAD v4.1: 451 of 1,614,016 alleles (0.028%); highest among the groups gnomAD compares: African/African-American, 0.54%; 2 homozygotes.

Submissions (3):

Labcorp Genetics (formerly Invitae), Labcorp
Classification: Likely benign for Myopathy, areflexia, respiratory distress, and dysphagia, early-onset. Last evaluated: 2019-12-31. Review status: criteria provided, single submitter. Criteria: Invitae Variant Classification Sherloc (09022015). Collection method: clinical testing. Allele origin: germline.

Illumina Laboratory Services, Illumina
Classification: Uncertain significance for MEGF10-related myopathy. Last evaluated: 2018-01-12. Review status: criteria provided, single submitter. Criteria: ICSL Variant Classification Criteria 13 December 2019. Collection method: clinical testing. Allele origin: germline.

PreventionGenetics, part of Exact Sciences
Classification: Likely benign for MEGF10-related condition. Last evaluated: 2020-04-27. Review status: no assertion criteria provided. Collection method: clinical testing. Allele origin: germline. Not counted in ClinVar's aggregate classification.
Comment: This variant is classified as likely benign based on ACMG/AMP sequence variant interpretation guidelines (Richards et al. 2015 PMID: 25741868, with internal and published modifications).